The following is an entry in ClinVar:

ClinVar aggregate classification (germline): Uncertain significance (1 of 4 stars; one submission).

Conditions:
Hypomyelination and Congenital Cataract (HLD5). Also called: hypomyelinating leukodystrophy 5. Identifiers: Orphanet 85163, MedGen C1864663, MONDO:0012514, OMIM 610532.

Allele frequency attached by ClinVar (database versions not stated): TOPMed below 0.00001.

Submission:

Labcorp Genetics (formerly Invitae), Labcorp
Classification: Uncertain significance for Hypomyelination and Congenital Cataract. Last evaluated: 2021-04-17. Review status: criteria provided, single submitter. Criteria: Invitae Variant Classification Sherloc (09022015). Collection method: clinical testing. Allele origin: germline.
Comment: In summary, the available evidence is currently insufficient to determine the role of this variant in disease. Therefore, it has been classified as a Variant of Uncertain Significance. Algorithms developed to predict the effect of missense changes on protein structure and function (SIFT, PolyPhen-2, Align-GVGD) all suggest that this variant is likely to be disruptive, but these predictions have not been confirmed by published functional studies and their clinical significance is uncertain. This variant has not been reported in the literature in individuals with FAM126A-related conditions. This variant is not present in population databases (ExAC no frequency). This sequence change replaces leucine with proline at codon 203 of the FAM126A protein (p.Leu203Pro). The leucine residue is highly conserved and there is a moderate physicochemical difference between leucine and proline.

NM_032581.4(HYCC1):c.608T>C (p.Leu203Pro)

Gene: HYCC1 (hyccin PI4KA lipid kinase complex subunit 1; minus strand). Cytogenetic location: 7p15.3.
Variant type: single nucleotide variant.
Coding change: c.608T>C on transcript NM_032581.4 (MANE Select); coding-DNA position 608, T replaced by C.
Protein change: p.Leu203Pro; replaces leucine 203 with proline.
Molecular consequence: missense variant.
Genome position (GRCh38, 1-based): chr7:22,976,228, A>G on the plus strand (T>C on the coding strand, the complement: HYCC1 is on the minus strand). VCF-style: chr7-22976228-A-G. GRCh37 (hg19) VCF-style: chr7-23015847-A-G.
Other names: c.608T>C, p.Leu203Pro (NM_001363466.2, NM_001363467.2); short protein forms L203P.
Identifiers: ClinVar variation 1467940 (VCV001467940.8), dbSNP rs1691610922, ClinGen allele CA366974899.